The following is an entry in ClinVar:

ClinVar aggregate classification (germline): Conflicting classifications of pathogenicity. Review status: criteria provided, conflicting classifications (1 of 4 stars). 6 submissions from 6 submitters: Uncertain significance (1); Likely benign (3). 2 of the submissions do not count toward it. Last evaluated 2026-07-20.

Conditions:
LRP2-related disorder. Also called: LRP2-related condition.

Allele frequency attached by ClinVar (database versions not stated): gnomAD exomes 0.00019 and 0.00049; ExAC 0.00049; ESP Exome Variant Server 0.00131; gnomAD 0.00149 and 0.00157; TOPMed 0.00159; 1000 Genomes Project 30x 0.00187; 1000 Genomes Project 0.00200.
gnomAD v4.1: 523 of 1,612,820 alleles (0.032%); highest among the groups gnomAD compares: African/African-American, 0.46%; 2 homozygotes.

Submissions (6):

GeneDx
Classification: Uncertain significance. Last evaluated: 2026-07-20. Review status: criteria provided, single submitter. Criteria: GeneDx Variant Classification Process June 2021. Collection method: clinical testing. Allele origin: germline.
Comment: In silico analysis supports that this missense variant has a deleterious effect on protein structure/function; This variant is associated with the following publications: (PMID: 27527004, 26934580, 27377421, 23675308, 37432431)

Labcorp Genetics (formerly Invitae), Labcorp
Classification: Likely benign. Last evaluated: 2026-01-25. Review status: criteria provided, single submitter. Criteria: Invitae Variant Classification Sherloc (09022015). Collection method: clinical testing. Allele origin: germline.

Blueprint Genetics
Classification: Likely benign. Last evaluated: 2024-08-15. Review status: criteria provided, single submitter. Criteria: ACMG Guidelines, 2015. Collection method: clinical testing. Allele origin: germline.

Breakthrough Genomics
Classification: Likely benign. Review status: criteria provided, single submitter. Criteria: ACMG Guidelines, 2015. Collection method: not provided. Allele origin: germline. Inheritance: Autosomal recessive inheritance. Affected: yes.

PreventionGenetics, part of Exact Sciences
Classification: Likely benign for LRP2-related condition. Last evaluated: 2022-05-31. Review status: no assertion criteria provided. Collection method: clinical testing. Allele origin: germline. Not counted in ClinVar's aggregate classification.
Comment: This variant is classified as likely benign based on ACMG/AMP sequence variant interpretation guidelines (Richards et al. 2015 PMID: 25741868, with internal and published modifications).

Gharavi Laboratory, Columbia University
Classification: Uncertain significance. Last evaluated: 2018-09-16. Review status: no assertion criteria provided. Criteria: ACMG Guidelines, 2015. Collection method: research. Allele origin: germline. Affected: yes. Not counted in ClinVar's aggregate classification.

NM_004525.3(LRP2):c.6473A>C (p.Asn2158Thr)

Gene: LRP2 (LDL receptor related protein 2; minus strand). Cytogenetic location: 2q31.1.
Variant type: single nucleotide variant.
Coding change: c.6473A>C on transcript NM_004525.3 (MANE Select); coding-DNA position 6473, A replaced by C.
Protein change: p.Asn2158Thr; replaces asparagine 2158 with threonine.
Molecular consequence: missense variant.
Genome position (GRCh38, 1-based): chr2:169,207,247, T>G on the plus strand (A>C on the coding strand, the complement: LRP2 is on the minus strand). VCF-style: chr2-169207247-T-G. GRCh37 (hg19) VCF-style: chr2-170063757-T-G.
Other names: short protein forms N2158T.
Identifiers: ClinVar variation 591104 (VCV000591104.18), dbSNP rs34052957, ClinGen allele CA1954268.